The following is an entry in ClinVar:

NM_003579.4(RAD54L):c.2183C>T (p.Ser728Phe)

Genes: LRRC41 (leucine rich repeat containing 41; minus strand), RAD54L (RAD54 like; plus strand). Cytogenetic location: 1p34.1.
Variant type: single nucleotide variant.
Coding change: c.2183C>T on transcript NM_003579.4 (MANE Select); coding-DNA position 2183, C replaced by T.
Protein change: p.Ser728Phe; replaces serine 728 with phenylalanine.
Molecular consequence: missense variant. On other transcripts: 3 prime UTR variant (1).
Genome position (GRCh38, 1-based): chr1:46,278,221, C>T. VCF-style: chr1-46278221-C-T. GRCh37 (hg19) VCF-style: chr1-46743893-C-T.
Other names: c.*644G>A (NM_006369.5); c.2183C>T, p.Ser728Phe (NM_001142548.2); c.1643C>T, p.Ser548Phe (NM_001370766.1); short protein forms S548F, S728F.
Identifiers: ClinVar variation 3223431 (VCV003223431.1), dbSNP rs2148309188, ClinGen allele CA340191413.

ClinVar aggregate classification (germline): Uncertain significance (1 of 4 stars; one submission).

Submission:

Ambry Genetics
Classification: Uncertain significance. Last evaluated: 2023-10-22. Review status: criteria provided, single submitter. Criteria: Ambry Variant Classification Scheme 2023. Collection method: clinical testing. Allele origin: germline.
Comment: The p.S728F variant (also known as c.2183C>T), located in coding exon 18 of the RAD54L gene, results from a C to T substitution at nucleotide position 2183. The serine at codon 728 is replaced by phenylalanine, an amino acid with highly dissimilar properties. This amino acid position is conserved. In addition, this alteration is predicted to be tolerated by in silico analysis. Since supporting evidence is limited at this time, the clinical significance of this alteration remains unclear.